The following is an entry in ClinVar:

ClinVar aggregate classification (germline): Pathogenic (1 of 4 stars; one submission).

Conditions:
Hereditary cancer-predisposing syndrome. Also called: Tumor predisposition; Hereditary neoplastic syndrome; Neoplastic Syndromes, Hereditary; Hereditary Cancer Syndrome. Identifiers: Orphanet 140162, MedGen C0027672, MeSH D009386, MONDO:0015356.

Submission:

Ambry Genetics
Classification: Pathogenic for Hereditary cancer-predisposing syndrome. Last evaluated: 2025-05-03. Review status: criteria provided, single submitter. Criteria: Ambry Variant Classification Scheme 2023. Collection method: clinical testing. Allele origin: germline.
Comment: The p.K173* pathogenic mutation (also known as c.517A>T), located in coding exon 4 of the CDH1 gene, results from an A to T substitution at nucleotide position 517. This changes the amino acid from a lysine to a stop codon within coding exon 4. This variant is considered to be rare based on population cohorts in the Genome Aggregation Database (gnomAD). This alteration is expected to result in loss of function by premature protein truncation or nonsense-mediated mRNA decay. As such, this alteration is interpreted as a disease-causing mutation.

NM_004360.5(CDH1):c.517A>T (p.Lys173Ter)

Gene: CDH1 (cadherin 1; plus strand). Cytogenetic location: 16q22.1.
Variant type: single nucleotide variant.
Coding change: c.517A>T on transcript NM_004360.5 (MANE Select); coding-DNA position 517, A replaced by T.
Protein change: p.Lys173Ter; replaces lysine 173 with a stop codon.
Molecular consequence: nonsense. On other transcripts: 5 prime UTR variant (2).
Genome position (GRCh38, 1-based): chr16:68,808,553, A>T. VCF-style: chr16-68808553-A-T. GRCh37 (hg19) VCF-style: chr16-68842456-A-T.
Other names: c.517A>T, p.Lys173Ter (NM_001317184.2); c.-1099A>T (NM_001317185.2); c.-1303A>T (NM_001317186.2); short protein forms K173*.
Identifiers: ClinVar variation 3998762 (VCV003998762.1).